The following is an entry in ClinVar:

NM_001987.5(ETV6):c.540C>G (p.His180Gln)

Gene: ETV6 (ETS variant transcription factor 6; plus strand). Cytogenetic location: 12p13.2.
Variant type: single nucleotide variant.
Coding change: c.540C>G on transcript NM_001987.5 (MANE Select); coding-DNA position 540, C replaced by G.
Protein change: p.His180Gln; replaces histidine 180 with glutamine.
Molecular consequence: missense variant.
Genome position (GRCh38, 1-based): chr12:11,869,500, C>G. VCF-style: chr12-11869500-C-G. GRCh37 (hg19) VCF-style: chr12-12022434-C-G.
Other names: c.537C>G, p.His179Gln (NM_001413913.1); c.513C>G, p.His171Gln (NM_001413914.1); c.276C>G, p.His92Gln (NM_001413915.1); c.540C>G, p.His180Gln (NM_001413916.1, NM_001413917.1); short protein forms H179Q, H180Q, H92Q, H171Q.
Identifiers: ClinVar variation 3657997 (VCV003657997.2).

ClinVar aggregate classification (germline): Uncertain significance (1 of 4 stars; one submission).

Submission:

Labcorp Genetics (formerly Invitae), Labcorp
Classification: Uncertain significance. Last evaluated: 2024-06-26. Review status: criteria provided, single submitter. Criteria: Invitae Variant Classification Sherloc (09022015). Collection method: clinical testing. Allele origin: germline.
Comment: This sequence change replaces histidine, which is basic and polar, with glutamine, which is neutral and polar, at codon 180 of the ETV6 protein (p.His180Gln). This variant is not present in population databases (gnomAD no frequency). This variant has not been reported in the literature in individuals affected with ETV6-related conditions. Advanced modeling of protein sequence and biophysical properties (such as structural, functional, and spatial information, amino acid conservation, physicochemical variation, residue mobility, and thermodynamic stability) performed at Invitae indicates that this missense variant is not expected to disrupt ETV6 protein function with a negative predictive value of 80%. In summary, the available evidence is currently insufficient to determine the role of this variant in disease. Therefore, it has been classified as a Variant of Uncertain Significance.